The following is an entry in ClinVar:

NM_001963.6(EGF):c.1575+6G>T

Gene: EGF (epidermal growth factor; plus strand). Cytogenetic location: 4q25.
Variant type: single nucleotide variant.
Coding change: c.1575+6G>T on transcript NM_001963.6 (MANE Select); 6 bases into the intron after coding-DNA position 1575, G replaced by T.
Molecular consequence: intron variant.
Genome position (GRCh38, 1-based): chr4:109,964,543, G>T. VCF-style: chr4-109964543-G-T. GRCh37 (hg19) VCF-style: chr4-110885699-G-T.
Other names: c.1575+6G>T (NM_001178130.3); c.1449+6G>T (NM_001178131.3, NM_001357021.2).
Identifiers: ClinVar variation 903649 (VCV000903649.8), dbSNP rs148355596, ClinGen allele CA3043711.

ClinVar aggregate classification (germline): Conflicting classifications of pathogenicity. Review status: criteria provided, conflicting classifications (1 of 4 stars). 3 submissions from 3 submitters: Uncertain significance (2); Likely benign (1). Last evaluated 2025-10-17.

Conditions:
Renal hypomagnesemia 4. Also called: HYPOMAGNESEMIA, RENAL, NORMOCALCIURIC. Identifiers: Orphanet 34527, MedGen C2673648, MONDO:0012717, OMIM 611718.

Allele frequency attached by ClinVar (database versions not stated): gnomAD 0.00017 and 0.00019; TOPMed 0.00022; ExAC 0.00030; 1000 Genomes Project 30x 0.00031; 1000 Genomes Project 0.00040; ESP Exome Variant Server 0.00046.
gnomAD v4.1: 445 of 1,613,736 alleles (0.028%); highest among the groups gnomAD compares: Middle Eastern, 0.066%; no homozygotes.

Submissions (3):

Labcorp Genetics (formerly Invitae), Labcorp
Classification: Uncertain significance. Last evaluated: 2025-10-17. Review status: criteria provided, single submitter. Criteria: Invitae Variant Classification Sherloc (09022015). Collection method: clinical testing. Allele origin: germline.
Comment: This sequence change falls in intron 10 of the EGF gene. It does not directly change the encoded amino acid sequence of the EGF protein. It affects a nucleotide within the consensus splice site. This variant is present in population databases (rs148355596, gnomAD 0.05%). This variant has not been reported in the literature in individuals affected with EGF-related conditions. ClinVar contains an entry for this variant (Variation ID: 903649). Variants that disrupt the consensus splice site are a relatively common cause of aberrant splicing (PMID: 17576681, 9536098). Algorithms developed to predict the effect of sequence changes on RNA splicing suggest that this variant is not likely to affect RNA splicing. In summary, the available evidence is currently insufficient to determine the role of this variant in disease. Therefore, it has been classified as a Variant of Uncertain Significance.

Blueprint Genetics
Classification: Likely benign. Last evaluated: 2024-09-03. Review status: criteria provided, single submitter. Criteria: ACMG Guidelines, 2015. Collection method: clinical testing. Allele origin: germline.

Illumina Laboratory Services, Illumina
Classification: Uncertain significance for Renal hypomagnesemia 4. Last evaluated: 2018-01-13. Review status: criteria provided, single submitter. Criteria: ICSL Variant Classification Criteria 13 December 2019. Collection method: clinical testing. Allele origin: germline.

Literature cited by the submitters: PubMed 17576681 (cited by Labcorp Genetics (formerly Invitae), Labcorp); PubMed 9536098 (cited by Labcorp Genetics (formerly Invitae), Labcorp).